The following is an entry in ClinVar:

ClinVar aggregate classification (germline): Uncertain significance (1 of 4 stars; one submission).

gnomAD v4.1: 1 of 1,613,866 alleles (0.000062%); highest among the groups gnomAD compares: Non-Finnish European, 0.000085%; no homozygotes.

Submission:

GeneDx
Classification: Uncertain significance. Last evaluated: 2025-05-02. Review status: criteria provided, single submitter. Criteria: GeneDx Variant Classification Process June 2021. Collection method: clinical testing. Allele origin: germline. Affected: yes.
Comment: Not observed at significant frequency in large population cohorts (gnomAD); In silico analysis suggests that this missense variant does not alter protein structure/function; Has not been previously published as pathogenic or benign to our knowledge

NM_001378418.1(TCF20):c.4730C>G (p.Pro1577Arg)

Gene: TCF20 (transcription factor 20; minus strand). Cytogenetic location: 22q13.2.
Variant type: single nucleotide variant.
Coding change: c.4730C>G on transcript NM_001378418.1 (MANE Select); coding-DNA position 4730, C replaced by G.
Protein change: p.Pro1577Arg; replaces proline 1577 with arginine.
Molecular consequence: missense variant.
Genome position (GRCh38, 1-based): chr22:42,210,576, G>C on the plus strand (C>G on the coding strand, the complement: TCF20 is on the minus strand). VCF-style: chr22-42210576-G-C. GRCh37 (hg19) VCF-style: chr22-42606582-G-C.
Other names: c.4730C>G, p.Pro1577Arg (NM_005650.4, NM_181492.3); short protein forms P1577R.
Identifiers: ClinVar variation 4528040 (VCV004528040.1).